The following is an entry in ClinVar:

ClinVar aggregate classification (germline): Uncertain significance (1 of 4 stars; one submission).

Submission:

Ambry Genetics
Classification: Uncertain significance. Last evaluated: 2025-09-10. Review status: criteria provided, single submitter. Criteria: Ambry Variant Classification Scheme 2023. Collection method: clinical testing. Allele origin: germline.
Comment: The p.E602K variant (also known as c.1804G>A), located in coding exon 10 of the PALLD gene, results from a G to A substitution at nucleotide position 1804. The glutamic acid at codon 602 is replaced by lysine, an amino acid with similar properties. This amino acid position is conserved. In addition, the in silico prediction for this alteration is inconclusive. Based on the available evidence, the clinical significance of this variant remains unclear.

NM_001166108.2(PALLD):c.3316G>A (p.Glu1106Lys)

Genes: CBR4 (carbonyl reductase 4; minus strand), PALLD (palladin, cytoskeletal associated protein; plus strand). Cytogenetic location: 4q32.3.
Variant type: single nucleotide variant.
Coding change: c.3316G>A on transcript NM_001166108.2 (MANE Select); coding-DNA position 3316, G replaced by A.
Protein change: p.Glu1106Lys; replaces glutamic acid 1106 with lysine.
Molecular consequence: missense variant.
Genome position (GRCh38, 1-based): chr4:168,925,036, G>A. VCF-style: chr4-168925036-G-A. GRCh37 (hg19) VCF-style: chr4-169846187-G-A.
Other names: c.2119G>A, p.Glu707Lys (NM_001166109.2); c.1804G>A, p.Glu602Lys (NM_001166110.2); c.1144G>A, p.Glu382Lys (NM_001367567.1, NM_001367569.1); c.1195G>A, p.Glu399Lys (NM_001367568.1, NM_001367570.1); c.3265G>A, p.Glu1089Lys (NM_016081.4); short protein forms E1089K, E1106K, E382K, E602K, E399K, E707K.
Identifiers: ClinVar variation 4130457 (VCV004130457.1).